The following is an entry in ClinVar:

ClinVar aggregate classification (germline): Pathogenic (1 of 4 stars; one submission).

Conditions:
Hereditary breast ovarian cancer syndrome. Also called: Hereditary breast and ovarian cancer syndrome (HBOC); Hereditary breast and ovarian cancer; BRCA1- and BRCA2-Associated Hereditary Breast and Ovarian Cancer; Hereditary breast and ovarian cancer syndrome; Hereditary breast and/or ovarian cancer syndrome; Breast and ovarian cancer. Identifiers: Orphanet 145, MedGen C0677776, MeSH D061325, MONDO:0003582. Disease mechanism: loss of function.

Submission:

Labcorp Genetics (formerly Invitae), Labcorp
Classification: Pathogenic for Hereditary breast ovarian cancer syndrome. Last evaluated: 2024-06-07. Review status: criteria provided, single submitter. Criteria: Invitae Variant Classification Sherloc (09022015). Collection method: clinical testing. Allele origin: germline.
Comment: This sequence change creates a premature translational stop signal (p.Glu733Argfs*7) in the BRCA1 gene. It is expected to result in an absent or disrupted protein product. Loss-of-function variants in BRCA1 are known to be pathogenic (PMID: 20104584). This variant is not present in population databases (gnomAD no frequency). This variant has not been reported in the literature in individuals affected with BRCA1-related conditions. For these reasons, this variant has been classified as Pathogenic.

Literature cited by the submitters: PubMed 20104584.

NM_007294.4(BRCA1):c.2196dup (p.Glu733fs)

Gene: BRCA1 (BRCA1 DNA repair associated; minus strand). Cytogenetic location: 17q21.31.
Variant type: Duplication.
Coding change: c.2196dup on transcript NM_007294.4 (MANE Select); coding-DNA position 2196, one base duplicated (A; older notation c.2196dupA).
Protein change: p.Glu733fs; shifts the reading frame from glutamic acid 733.
Molecular consequence: frameshift variant. On other transcripts: intron variant (137).
Genome position (GRCh38, 1-based): chr17:43,093,335, T duplicated on the plus strand (A on the coding strand, the reverse complement: BRCA1 is on the minus strand); the first of 2 consecutive T bases (chr17:43,093,335-43,093,336); duplicating either gives the same sequence. VCF-style (leftmost placement, unchanged base first): chr17-43093334-C-CT. GRCh37 (hg19) VCF-style: chr17-41245351-C-CT.
Other names: c.577+1409dup (NM_001408485.1, NM_001408483.1, NM_001408481.1 and 9 more transcripts); c.784+1409dup (NM_001408400.1, NM_001408392.1, NM_001407986.1 and 13 more transcripts); c.661+1409dup (NM_001408447.1, NM_001408433.1, NM_001408446.1 and 6 more transcripts); c.664+1409dup (NM_001408429.1, NM_001408437.1, NM_001408441.1 and 12 more transcripts); c.787+1409dup (NM_001407979.1, NM_001407977.1, NM_001407982.1 and 17 more transcripts); c.646+1409dup (NM_001408410.1, NM_001408458.1, NM_001408469.1 and 11 more transcripts); c.709+1409dup (NM_001408415.1, NM_001408412.1, NM_001408409.1 and 2 more transcripts); c.2196dup, p.Glu733fs (NM_001407581.1, NM_001407582.1, NM_001407583.1 and 30 more transcripts); and 41 more; short protein forms E605fs, E606fs, E665fs, E686fs, E691fs, E621fs, E644fs, E662fs.
Identifiers: ClinVar variation 3645930 (VCV003645930.2).